The following is an entry in ClinVar:

NM_006231.4(POLE):c.5347G>A (p.Asp1783Asn)

Gene: POLE (DNA polymerase epsilon, catalytic subunit; minus strand). Cytogenetic location: 12q24.33.
Variant type: single nucleotide variant.
Coding change: c.5347G>A on transcript NM_006231.4 (MANE Select); coding-DNA position 5347, G replaced by A.
Protein change: p.Asp1783Asn; replaces aspartic acid 1783 with asparagine.
Molecular consequence: missense variant.
Genome position (GRCh38, 1-based): chr12:132,641,678, C>T on the plus strand (G>A on the coding strand, the complement: POLE is on the minus strand). VCF-style: chr12-132641678-C-T. GRCh37 (hg19) VCF-style: chr12-133218264-C-T.
Other names: short protein forms D1783N.
Identifiers: ClinVar variation 405637 (VCV000405637.14), dbSNP rs149893630, ClinGen allele CA6892560.

ClinVar aggregate classification (germline): Uncertain significance. Review status: criteria provided, multiple submitters, no conflicts (2 of 4 stars). 3 submissions from 3 submitters: Uncertain significance (3). Last evaluated 2026-05-23.

Conditions:
Hereditary cancer-predisposing syndrome. Also called: Hereditary Cancer Syndrome; Tumor predisposition; Hereditary neoplastic syndrome; Neoplastic Syndromes, Hereditary. Identifiers: Orphanet 140162, MedGen C0027672, MeSH D009386, MONDO:0015356.

Allele frequency attached by ClinVar (database versions not stated): ExAC 0.00001; TOPMed 0.00002; gnomAD 0.00001; ESP Exome Variant Server 0.00008.
gnomAD v4.1: 19 of 1,613,930 alleles (0.0012%); highest among the groups gnomAD compares: South Asian, 0.0022%; no homozygotes.

Submissions (3):

Ambry Genetics
Classification: Uncertain significance for Hereditary cancer-predisposing syndrome. Last evaluated: 2026-05-23. Review status: criteria provided, single submitter. Criteria: Ambry Variant Classification Scheme 2023. Collection method: clinical testing. Allele origin: germline.
Comment: The c.5347G>A (p.D1783N) alteration is located in exon 39 (coding exon 39) of the POLE gene. This alteration results from a G to A substitution at nucleotide position 5347, causing the aspartic acid (D) at amino acid position 1783 to be replaced by an asparagine (N). Based on data from gnomAD, the A allele has an overall frequency of <0.001% (1/251048) total alleles studied. The highest observed frequency was 0.006% (1/16244) of African alleles. Based on insufficient or conflicting evidence, the clinical significance of this alteration remains unclear.

Labcorp Genetics (formerly Invitae), Labcorp
Classification: Uncertain significance. Last evaluated: 2025-12-22. Review status: criteria provided, single submitter. Criteria: Invitae Variant Classification Sherloc (09022015). Collection method: clinical testing. Allele origin: germline.
Comment: This sequence change replaces aspartic acid, which is acidic and polar, with asparagine, which is neutral and polar, at codon 1783 of the POLE protein (p.Asp1783Asn). This variant is not present in population databases (gnomAD no frequency). This variant has not been reported in the literature in individuals affected with POLE-related conditions. ClinVar contains an entry for this variant (Variation ID: 405637). Invitae Evidence Modeling of protein sequence and biophysical properties (such as structural, functional, and spatial information, amino acid conservation, physicochemical variation, residue mobility, and thermodynamic stability) indicates that this missense variant is not expected to disrupt POLE protein function with a negative predictive value of 80%. In summary, the available evidence is currently insufficient to determine the role of this variant in disease. Therefore, it has been classified as a Variant of Uncertain Significance.

GeneDx
Classification: Uncertain significance. Last evaluated: 2023-07-03. Review status: criteria provided, single submitter. Criteria: GeneDx Variant Classification Process June 2021. Collection method: clinical testing. Allele origin: germline. Affected: yes.
Comment: Not observed at significant frequency in large population cohorts (gnomAD); In silico analysis supports that this missense variant has a deleterious effect on protein structure/function; Has not been previously published as pathogenic or benign to our knowledge; This variant is associated with the following publications: (PMID: 36303224)